The following is an entry in ClinVar:

ClinVar aggregate classification (germline): Pathogenic/Likely pathogenic. Review status: criteria provided, multiple submitters, no conflicts (2 of 4 stars). 13 submissions from 12 submitters: Pathogenic (11); Likely pathogenic (1). 1 of the submissions does not count toward it. Last evaluated 2025-11-10.

Conditions:
Early-infantile DEE. Also called: Ohtahara syndrome; Early infantile epileptic encephalopathy with suppression bursts; Early infantile epileptic encephalopathy. Identifiers: Orphanet 1934, MedGen C0393706, MONDO:0800491.
Autosomal dominant epilepsy.
Inborn genetic diseases. Identifiers: MedGen C0950123, MeSH D030342.
Focal epilepsy. Also called: partial epilepsy. Identifiers: MedGen C0014547, MeSH D004828, MONDO:0005384.
Generalized epilepsy with febrile seizures plus, type 2 (GEFSP2). Also called: GEFS+, TYPE 2. Identifiers: Orphanet 36387, MedGen C1858673, MONDO:0011461, OMIM 604403.
Severe myoclonic epilepsy in infancy (DRVT). Also called: DEVELOPMENTAL AND EPILEPTIC ENCEPHALOPATHY 6A; Severe Myoclonic Epilepsy in Infancy (SMEI); Epileptic encephalopathy, early infantile, 6 (Dravet syndrome); SEVERE MYOCLONIC EPILEPSY OF INFANCY; Dravet syndrome. Identifiers: Orphanet 33069, MedGen C0751122, MONDO:0100135, OMIM 607208.
Seizure. Also called: Seizures. Identifiers: MedGen C0036572, HP:0001250.

Allele frequency attached by ClinVar (database versions not stated): gnomAD exomes below 0.00001; ExAC 0.00001; ESP Exome Variant Server 0.00008.
gnomAD v4.1: 1 of 1,612,480 alleles (0.000062%); highest among the groups gnomAD compares: Non-Finnish European, 0.000085%; no homozygotes.

Submissions (14):

Ambry Genetics
Classification: Pathogenic for Inborn genetic diseases. Last evaluated: 2025-11-10. Review status: criteria provided, single submitter. Criteria: Ambry Variant Classification Scheme 2023. Collection method: clinical testing. Allele origin: germline.
Comment: The c.4786C>T (p.R1596C) alteration is located in exon 25 (coding exon 25) of the SCN1A gene. This alteration results from a C to T substitution at nucleotide position 4786, causing the arginine (R) at amino acid position 1596 to be replaced by a cysteine (C). for SCN1A-related seizure disorders; however, its clinical significance for SCN1A-related hemiplegic migraine is uncertain. The Genome Aggregation Database (gnomAD) data for this variant is unreliable due to technical and/or biological issues; therefore, population frequency estimates were not considered. This variant was reported in individual(s) with features consistent with SCN1A-related seizure disorders; in at least one individual, it was determined to be de novo (Dlugos, 2007; Harkin, 2007; Hoffman-Zacharska, 2015; M&oslash;ller, 2016). Other variants at the same codon, c.4787G>A (p.R1596H) and c.4787G>T (p.R1596L), have been identified in individuals with features consistent with SCN1A-related seizure disorders (Depienne, 2009; Zuberi, 2011; Hoffman-Zacharska, 2015; Brunklaus, 2022; Fang, 2022; Stawicka, 2024). This amino acid position is highly conserved in available vertebrate species. This alteration is predicted to be deleterious by in silico analysis. Based on the available evidence, this alteration is classified as pathogenic.

Institute of Human Genetics, University of Leipzig Medical Center
Classification: Pathogenic for Severe myoclonic epilepsy in infancy. Last evaluated: 2025-10-22. Review status: criteria provided, single submitter. Criteria: ACMG Guidelines, 2015. Collection method: clinical testing. Allele origin: unknown. Inheritance: Autosomal dominant inheritance. Affected: yes.
Comment: Criteria applied: PS4_VSTR, PS3, PM5_STR, PS2_MOD, PM2_SUP, PP3

Labcorp Genetics (formerly Invitae), Labcorp
Classification: Pathogenic for Early-infantile DEE. Last evaluated: 2025-06-09. Review status: criteria provided, single submitter. Criteria: Invitae Variant Classification Sherloc (09022015). Collection method: clinical testing. Allele origin: germline.
Comment: This sequence change replaces arginine, which is basic and polar, with cysteine, which is neutral and slightly polar, at codon 1596 of the SCN1A protein (p.Arg1596Cys). This variant is not present in population databases (gnomAD no frequency). This missense change has been observed in individual(s) with severe epilepsy (PMID: 17347258, 17903680, 26188943, 27781031). In at least one individual the variant was observed to be de novo. It has also been observed to segregate with disease in related individuals. ClinVar contains an entry for this variant (Variation ID: 68553). Invitae Evidence Modeling of protein sequence and biophysical properties (such as structural, functional, and spatial information, amino acid conservation, physicochemical variation, residue mobility, and thermodynamic stability) indicates that this missense variant is expected to disrupt SCN1A protein function with a positive predictive value of 95%. This variant disrupts the p.Arg1596 amino acid residue in SCN1A. Other variant(s) that disrupt this residue have been determined to be pathogenic (PMID: 21248271, 26188943). This suggests that this residue is clinically significant, and that variants that disrupt this residue are likely to be disease-causing. For these reasons, this variant has been classified as Pathogenic.

Department of Neurology, Zibo Changguo Hospital
Classification: Pathogenic for Generalized epilepsy with febrile seizures plus, type 2. Last evaluated: 2025-01-09. Review status: criteria provided, single submitter. Criteria: ACMG Guidelines, 2015. Collection method: clinical testing. Allele origin: paternal. Inheritance: Autosomal dominant inheritance. Affected: yes.
Comment: PS4, PM2_Supporting, PM5, PP2, PP3_Strong

Cytogénomique, Hospices Civils de Lyon
Classification: Pathogenic for Seizure. Last evaluated: 2024-07-26. Review status: criteria provided, single submitter. Criteria: ACMG Guidelines, 2015. Collection method: clinical testing. Allele origin: unknown. Affected: yes.

Institute of Human Genetics, University of Leipzig Medical Center
Classification: Pathogenic for Generalized epilepsy with febrile seizures plus, type 2. Last evaluated: 2022-05-31. Review status: criteria provided, single submitter. Criteria: ACMG Guidelines, 2015. Collection method: clinical testing. Allele origin: unknown. Affected: yes.
Comment: _x000D_ Criteria applied: PS4, PM1, PM5, PM2_SUP, PP2, PP3

Women's Health and Genetics/Laboratory Corporation of America, LabCorp
Classification: Pathogenic. Last evaluated: 2022-05-30. Review status: criteria provided, single submitter. Criteria: LabCorp Variant Classification Summary - May 2015. Collection method: clinical testing. Allele origin: germline.
Comment: Variant summary: SCN1A c.4786C>T (p.Arg1596Cys) results in a non-conservative amino acid change located in the Ion transport domain (IPR005821) of the encoded protein sequence. Five of five in-silico tools predict a damaging effect of the variant on protein function. The variant was absent in 250168 control chromosomes. c.4786C>T has been reported in the literature in multiple individuals affected with SCN1A-Related Seizure Disorder (example, Depienne_2008, Harkin_2007, Claes_2009, Diugos_2007, Kim_2014). These data indicate that the variant is very likely to be associated with disease. Multiple clinical diagnostic laboratories have submitted clinical-significance assessments for this variant to ClinVar after 2014 without evidence for independent evaluation. All laboratories classified the variant as pathogenic/likely pathogenic. Based on the evidence outlined above, the variant was classified as pathogenic.

GeneDx
Classification: Pathogenic. Last evaluated: 2022-05-27. Review status: criteria provided, single submitter. Criteria: GeneDx Variant Classification Process June 2021. Collection method: clinical testing. Allele origin: germline. Affected: yes.
Comment: Published functional studies demonstrate loss of function (Kluckova et al., 2020); Missense variants in this gene are often considered pathogenic (HGMD); In silico analysis supports that this missense variant has a deleterious effect on protein structure/function; This substitution is predicted to be within the intracellular loop between S2 and S3 of the fourth homologous domain; Not observed at significant frequency in large population cohorts (gnomAD); This variant is associated with the following publications: (PMID: 18930999, 28202706, 29144225, 27781031, 31009440, 23527921, 17903680, 17347258, 24328833, 32238909, 32538476, 26188943, 32090326, 32086284, 27465585, 34226156, 21248271, 33841294, 32581296)

Revvity Omics, Revvity
Classification: Pathogenic. Last evaluated: 2020-02-28. Review status: criteria provided, single submitter. Criteria: ACMG Guidelines, 2015. Collection method: clinical testing. Allele origin: germline.

Cavalleri Lab, Royal College of Surgeons in Ireland
Classification: Likely pathogenic for Generalized epilepsy with febrile seizures plus, type 2. Last evaluated: 2019-12-11. Review status: criteria provided, single submitter. Criteria: ACMG Guidelines, 2015. Collection method: research. Allele origin: de novo. Inheritance: Sporadic. Affected: yes.
Comment: ACMG evidence PS2, PP2, PP3

CeGaT Center for Human Genetics Tuebingen
Classification: Pathogenic. Last evaluated: 2018-08-01. Review status: criteria provided, single submitter. Criteria: CeGaT Center For Human Genetics Tuebingen Variant Classification Criteria Version 2. Collection method: clinical testing. Allele origin: germline. Affected: yes. Observed: 2 variant alleles.

Athena Diagnostics
Classification: Pathogenic. Last evaluated: 2016-09-29. Review status: criteria provided, single submitter. Criteria: Athena Diagnostics Criteria. Collection method: clinical testing. Allele origin: germline.

Channelopathy-Associated Epilepsy Research Center
No classification provided (evidence only). Condition: Severe myoclonic epilepsy in infancy. Review status: no classification provided. Collection method: literature only. Allele origin: not applicable. Functional consequence: Absence of peak current. Not counted in ClinVar's aggregate classification.
ClinVar note: "not provided" was previously submitted as the classification for the variant. However, the classification appeared to be based only on an observation of functional data so it was converted to no classification on 2025-07-30.

UniProtKB/Swiss-Prot
No classification provided. Review status: no classification provided. Collection method: not provided. Allele origin: unknown. Not counted in ClinVar's aggregate classification.

Literature cited by the submitters: PubMed 17347258 (cited by 4 submitters); PubMed 17903680 (cited by 4 submitters); PubMed 18930999 (cited by 3 submitters); PubMed 21248271 (cited by Ambry Genetics and Labcorp Genetics (formerly Invitae), Labcorp); PubMed 26188943 (cited by 3 submitters); PubMed 27781031 (cited by Ambry Genetics and Labcorp Genetics (formerly Invitae), Labcorp); PubMed 35074891 (cited by Ambry Genetics); PubMed 35944423 (cited by Ambry Genetics); PubMed 38785537 (cited by Ambry Genetics); PubMed 19586930 (cited by Women's Health and Genetics/Laboratory Corporation of America, LabCorp); PubMed 19585586 (cited by Women's Health and Genetics/Laboratory Corporation of America, LabCorp); PubMed 22156295 (cited by Women's Health and Genetics/Laboratory Corporation of America, LabCorp); PubMed 23527921 (cited by Women's Health and Genetics/Laboratory Corporation of America, LabCorp and Athena Diagnostics); PubMed 23917401 (cited by Women's Health and Genetics/Laboratory Corporation of America, LabCorp); PubMed 32238909 (cited by Cavalleri Lab, Royal College of Surgeons in Ireland); PubMed 24328833 (cited by Athena Diagnostics); PubMed 27465585 (cited by Athena Diagnostics); PubMed 32581296 (cited by Channelopathy-Associated Epilepsy Research Center).

NM_001165963.4(SCN1A):c.4786C>T (p.Arg1596Cys)

Genes: SCN1A (sodium voltage-gated channel alpha subunit 1; minus strand), LOC102724058 (uncharacterized LOC102724058; plus strand). Cytogenetic location: 2q24.3.
Variant type: single nucleotide variant.
Coding change: c.4786C>T on transcript NM_001165963.4 (MANE Select); coding-DNA position 4786, C replaced by T.
Protein change: p.Arg1596Cys; replaces arginine 1596 with cysteine.
Molecular consequence: missense variant. On other transcripts: non-coding transcript variant (1).
Genome position (GRCh38, 1-based): chr2:165,994,212, G>A on the plus strand (C>T on the coding strand, the complement: SCN1A is on the minus strand). VCF-style: chr2-165994212-G-A. GRCh37 (hg19) VCF-style: chr2-166850722-G-A.
Other names: p.R1596C:CGC>TGC; c.4702C>T, p.Arg1568Cys (NM_001165964.3, NM_001353957.2, NM_001353958.2); c.4786C>T, p.Arg1596Cys (NM_001202435.3, NM_001353948.2); c.4753C>T, p.Arg1585Cys (NM_001353949.2, NM_001353950.2, NM_001353951.2 and 2 more transcripts); c.4750C>T, p.Arg1584Cys (NM_001353954.2, NM_001353955.2); c.4699C>T, p.Arg1567Cys (NM_001353960.2); c.2344C>T, p.Arg782Cys (NM_001353961.2); short protein forms R1585C, R1596C, R1568C, R1584C, R1567C, R782C.
Identifiers: ClinVar variation 68553 (VCV000068553.62), dbSNP rs121917993, ClinGen allele CA145250.
Genomic context (GRCh38, chr2:165,994,212, plus strand): 5'-TGGAGAGAATGACAACCACAAAATCAAAAATATTCCATCCAATGGTAAAATAATAATGGC[G>A]TAGAGAGATGAGTTTCAGTACACACTCTCCAGTAAATAGCACAATGAACACCAGATTGAT-3'
Protein context (NP_001159435.1, residues 1586-1606): GECVLKLISL[Arg1596Cys]HYYFTIGWNI